The following is an entry in ClinVar:

ClinVar aggregate classification (germline): Uncertain significance (1 of 4 stars; one submission).

Conditions:
Hereditary cancer-predisposing syndrome. Also called: Neoplastic Syndromes, Hereditary; Tumor predisposition; Hereditary Cancer Syndrome; Hereditary neoplastic syndrome. Identifiers: Orphanet 140162, MedGen C0027672, MeSH D009386, MONDO:0015356.

Allele frequency attached by ClinVar (database versions not stated): gnomAD exomes below 0.00001.

Submission:

Ambry Genetics
Classification: Uncertain significance for Hereditary cancer-predisposing syndrome. Last evaluated: 2017-10-30. Review status: criteria provided, single submitter. Criteria: Ambry Variant Classification Scheme 2023. Collection method: clinical testing. Allele origin: germline.
Comment: The p.E1240G variant (also known as c.3719A>G), located in coding exon 24 of the RAD50 gene, results from an A to G substitution at nucleotide position 3719. The glutamic acid at codon 1240 is replaced by glycine, an amino acid with similar properties. This amino acid position is well conserved in available vertebrate species. In addition, the in silico prediction for this alteration is inconclusive. Since supporting evidence is limited at this time, the clinical significance of this alteration remains unclear.

NM_005732.4(RAD50):c.3719A>G (p.Glu1240Gly)

Genes: RAD50 (RAD50 double strand break repair protein; plus strand), TH2-LCR (Th2 cytokine locus control region; plus strand), TH2LCRR (T helper type 2 locus control region associated RNA; minus strand). Cytogenetic location: 5q31.1.
Variant type: single nucleotide variant.
Coding change: c.3719A>G on transcript NM_005732.4 (MANE Select); coding-DNA position 3719, A replaced by G.
Protein change: p.Glu1240Gly; replaces glutamic acid 1240 with glycine.
Molecular consequence: missense variant.
Genome position (GRCh38, 1-based): chr5:132,640,772, A>G. VCF-style: chr5-132640772-A-G. GRCh37 (hg19) VCF-style: chr5-131976464-A-G.
Other names: short protein forms E1240G.
Identifiers: ClinVar variation 1734259 (VCV001734259.2), dbSNP rs2479435357, ClinGen allele CA360934731.